The following is an entry in ClinVar:

NM_004426.3(PHC1):c.1598G>A (p.Arg533Gln)

Gene: PHC1 (polyhomeotic homolog 1; plus strand). Cytogenetic location: 12p13.31.
Variant type: single nucleotide variant.
Coding change: c.1598G>A on transcript NM_004426.3 (MANE Select); coding-DNA position 1598, G replaced by A.
Protein change: p.Arg533Gln; replaces arginine 533 with glutamine.
Molecular consequence: missense variant.
Genome position (GRCh38, 1-based): chr12:8,933,055, G>A. VCF-style: chr12-8933055-G-A. GRCh37 (hg19) VCF-style: chr12-9085651-G-A.
Other names: short protein forms R533Q.
Identifiers: ClinVar variation 235403 (VCV000235403.3), dbSNP rs878853029, ClinGen allele CA10581301.

ClinVar aggregate classification (germline): Likely benign (1 of 4 stars; one submission).

Allele frequency attached by ClinVar (database versions not stated): gnomAD 0.00001.

Submission:

Center for Pediatric Genomic Medicine, Children's Mercy Hospital and Clinics
Classification: Likely benign. Last evaluated: 2016-04-18. Review status: criteria provided, single submitter. Criteria: ACMG Guidelines, 2015. Collection method: clinical testing. Allele origin: germline.
ClinVar note: Converted during submission from Likely Benign to Likely benign.